The following is an entry in ClinVar:

ClinVar aggregate classification (germline): Uncertain significance. Review status: criteria provided, multiple submitters, no conflicts (2 of 4 stars). 2 submissions from 2 submitters: Uncertain significance (2). Last evaluated 2024-10-11.

Conditions:
Hereditary cancer-predisposing syndrome. Also called: Hereditary Cancer Syndrome; Tumor predisposition; Neoplastic Syndromes, Hereditary; Hereditary neoplastic syndrome. Identifiers: Orphanet 140162, MedGen C0027672, MeSH D009386, MONDO:0015356.
Hereditary pheochromocytoma and paraganglioma. Also called: Hereditary pheochromocytoma-paraganglioma; Hereditary paragangliomas and pheochromocytomas; Hereditary Paraganglioma-Pheochromocytoma Syndromes. Identifiers: Orphanet 29072, MedGen C4274332, MONDO:0017366.

Allele frequency attached by ClinVar (database versions not stated): gnomAD exomes below 0.00001.
gnomAD v4.1: 1 of 1,534,036 alleles (0.000065%); highest among the groups gnomAD compares: Non-Finnish European, 0.000087%; no homozygotes.

Submissions (2):

Ambry Genetics
Classification: Uncertain significance for Hereditary cancer-predisposing syndrome. Last evaluated: 2024-10-11. Review status: criteria provided, single submitter. Criteria: Ambry Variant Classification Scheme 2023. Collection method: clinical testing. Allele origin: germline.
Comment: The p.A22V variant (also known as c.65C>T), located in coding exon 1 of the TMEM127 gene, results from a C to T substitution at nucleotide position 65. The alanine at codon 22 is replaced by valine, an amino acid with similar properties. This amino acid position is not well conserved in available vertebrate species. In addition, this alteration is predicted to be tolerated by in silico analysis. Since supporting evidence is limited at this time, the clinical significance of this alteration remains unclear.

Labcorp Genetics (formerly Invitae), Labcorp
Classification: Uncertain significance for Hereditary pheochromocytoma and paraganglioma. Last evaluated: 2022-05-28. Review status: criteria provided, single submitter. Criteria: Invitae Variant Classification Sherloc (09022015). Collection method: clinical testing. Allele origin: germline.
Comment: This sequence change replaces alanine, which is neutral and non-polar, with valine, which is neutral and non-polar, at codon 22 of the TMEM127 protein (p.Ala22Val). This variant is not present in population databases (gnomAD no frequency). This variant has not been reported in the literature in individuals affected with TMEM127-related conditions. ClinVar contains an entry for this variant (Variation ID: 826503). Algorithms developed to predict the effect of missense changes on protein structure and function are either unavailable or do not agree on the potential impact of this missense change (SIFT: "Deleterious"; PolyPhen-2: "Not Available"; Align-GVGD: "Class C0"). In summary, the available evidence is currently insufficient to determine the role of this variant in disease. Therefore, it has been classified as a Variant of Uncertain Significance.

NM_017849.4(TMEM127):c.65C>T (p.Ala22Val)

Genes: TMEM127 (transmembrane protein 127; minus strand), LOC129934333 (ATAC-STARR-seq lymphoblastoid silent region 11759; plus strand). Cytogenetic location: 2q11.2.
Variant type: single nucleotide variant.
Coding change: c.65C>T on transcript NM_017849.4 (MANE Select); coding-DNA position 65, C replaced by T.
Protein change: p.Ala22Val; replaces alanine 22 with valine.
Molecular consequence: missense variant.
Genome position (GRCh38, 1-based): chr2:96,265,317, G>A on the plus strand (C>T on the coding strand, the complement: TMEM127 is on the minus strand). VCF-style: chr2-96265317-G-A. GRCh37 (hg19) VCF-style: chr2-96931055-G-A.
Other names: c.65C>T, p.Ala22Val (NM_001193304.3); short protein forms A22V.
Identifiers: ClinVar variation 826503 (VCV000826503.10), dbSNP rs1573977937, ClinGen allele CA347656183.